The following is an entry in ClinVar:

NM_001853.4(COL9A3):c.458dup (p.Gly154fs)

Gene: COL9A3 (collagen type IX alpha 3 chain; plus strand). Cytogenetic location: 20q13.33.
Variant type: Duplication.
Coding change: c.458dup on transcript NM_001853.4 (MANE Select); coding-DNA position 458, one base duplicated (C; older notation c.458dupC).
Protein change: p.Gly154fs; shifts the reading frame from glycine 154.
Molecular consequence: frameshift variant.
Genome position (GRCh38, 1-based): chr20:62,822,145, C duplicated; the last of 5 consecutive C bases (chr20:62,822,141-62,822,145); duplicating any one gives the same sequence. VCF-style (leftmost placement, unchanged base first): chr20-62822140-T-TC. GRCh37 (hg19) VCF-style: chr20-61453492-T-TC.
Other names: short protein forms G154fs.
Identifiers: ClinVar variation 5018983 (VCV005018983.2).

ClinVar aggregate classification (germline): Uncertain significance (1 of 4 stars; one submission).

Conditions:
Stickler syndrome, type 6. Also called: Stickler syndrome, type VI; Stickler syndrome, IIa 6. Identifiers: MedGen C5774207, MONDO:0031047, OMIM 620022.
Intervertebral disc disorder (IDD). Also called: Lumbar disk degenerative disorder; INTERVERTEBRAL DISC DISEASE. Identifiers: MedGen C0158252, MONDO:0044339, OMIM 603932.
Epiphyseal dysplasia, multiple, 3 (EDM3). Also called: Epiphyseal dysplasia, multiple, 3, with or without myopathy; COL9A3-Related Multiple Epiphyseal Dysplasia. Identifiers: MedGen C1832998, MONDO:0010964, OMIM 600969.

Submission:

Juno Genomics, Hangzhou Juno Genomics, Inc
Classification: Uncertain significance for Stickler syndrome, type 6; Intervertebral disc disorder; Epiphyseal dysplasia, multiple, 3. Review status: criteria provided, single submitter. Criteria: ACMG Guidelines, 2015. Collection method: clinical testing. Allele origin: germline.
Comment: Absent from controls (or at extremely low frequency if recessive) in Genome Aggregation Database.